The following is an entry in ClinVar:

NM_032656.4(DHX37):c.276+4C>T

Gene: DHX37 (DEAH-box helicase 37; minus strand). Cytogenetic location: 12q24.31.
Variant type: single nucleotide variant.
Coding change: c.276+4C>T on transcript NM_032656.4 (MANE Select); 4 bases into the intron after coding-DNA position 276, C replaced by T.
Molecular consequence: intron variant.
Genome position (GRCh38, 1-based): chr12:124,986,092, G>A on the plus strand (C>T on the coding strand, the complement: DHX37 is on the minus strand). VCF-style: chr12-124986092-G-A. GRCh37 (hg19) VCF-style: chr12-125470638-G-A.
Identifiers: ClinVar variation 2047041 (VCV002047041.12), dbSNP rs200709587, ClinGen allele CA6872517.
Genomic context (GRCh38, chr12:124,986,092, plus strand): 5'-AGAGACCCCCCATCTCTCTCTATGCTGGAGAGCCACTTGCAGACCCTGCCCGAGTGGGGT[G>A]TACCTGGCTCTTTTTCTCCTTCTGTTCTAAGATTTTCTGCAGCACTTTCTTCTCCTTCTT-3'

ClinVar aggregate classification (germline): Conflicting classifications of pathogenicity. Review status: criteria provided, conflicting classifications (1 of 4 stars). 3 submissions from 3 submitters: Uncertain significance (2); Likely benign (1). Last evaluated 2026-01-19.

Allele frequency attached by ClinVar (database versions not stated): 1000 Genomes Project 30x 0.00031; ESP Exome Variant Server 0.00031; ExAC 0.00032; gnomAD 0.00032; TOPMed 0.00039; 1000 Genomes Project 0.00040; gnomAD exomes 0.00052.
gnomAD v4.1: 808 of 1,613,622 alleles (0.05%); highest among the groups gnomAD compares: Admixed American, 0.075%; no homozygotes.

Submissions (3):

Labcorp Genetics (formerly Invitae), Labcorp
Classification: Uncertain significance. Last evaluated: 2026-01-19. Review status: criteria provided, single submitter. Criteria: Invitae Variant Classification Sherloc (09022015). Collection method: clinical testing. Allele origin: germline.
Comment: This sequence change falls in intron 2 of the DHX37 gene. It does not directly change the encoded amino acid sequence of the DHX37 protein. It affects a nucleotide within the consensus splice site. This variant is present in population databases (rs200709587, gnomAD 0.07%). This variant has not been reported in the literature in individuals affected with DHX37-related conditions. ClinVar contains an entry for this variant (Variation ID: 2047041). Variants that disrupt the consensus splice site are a relatively common cause of aberrant splicing (PMID: 17576681, 9536098). Algorithms developed to predict the effect of sequence changes on RNA splicing suggest that this variant is not likely to affect RNA splicing. In summary, the available evidence is currently insufficient to determine the role of this variant in disease. Therefore, it has been classified as a Variant of Uncertain Significance.

CeGaT Center for Human Genetics Tuebingen
Classification: Uncertain significance. Last evaluated: 2025-03-01. Review status: criteria provided, single submitter. Criteria: CeGaT Center For Human Genetics Tuebingen Variant Classification Criteria Version 2. Collection method: clinical testing. Allele origin: germline. Affected: yes. Observed: 1 variant allele.
Comment: DHX37: PM2:Supporting, BP4

Blueprint Genetics
Classification: Likely benign. Last evaluated: 2023-08-31. Review status: criteria provided, single submitter. Criteria: ACMG Guidelines, 2015. Collection method: clinical testing. Allele origin: germline.

Literature cited by the submitters: PubMed 17576681 (cited by Labcorp Genetics (formerly Invitae), Labcorp); PubMed 9536098 (cited by Labcorp Genetics (formerly Invitae), Labcorp).